The following is an entry in ClinVar:

NM_003119.4(SPG7):c.99C>G (p.Phe33Leu)

Genes: SPG7 (SPG7 matrix AAA peptidase subunit, paraplegin; plus strand), LOC130059818 (ATAC-STARR-seq lymphoblastoid silent region 7911; plus strand). Cytogenetic location: 16q24.3.
Variant type: single nucleotide variant.
Coding change: c.99C>G on transcript NM_003119.4 (MANE Select); coding-DNA position 99, C replaced by G.
Protein change: p.Phe33Leu; replaces phenylalanine 33 with leucine.
Molecular consequence: missense variant.
Genome position (GRCh38, 1-based): chr16:89,508,516, C>G. VCF-style: chr16-89508516-C-G. GRCh37 (hg19) VCF-style: chr16-89574924-C-G.
Other names: c.99C>G, p.Phe33Leu (NM_001363850.1, NM_199367.3); short protein forms F33L.
Identifiers: ClinVar variation 1000172 (VCV001000172.11), dbSNP rs1331243813, ClinGen allele CA397415985.
Genomic context (GRCh38, chr16:89,508,516, plus strand): 5'-GGGTCCAGGCCCGGGTCCTCGGCCGCTGTGGGGCCCAGGCCCGGCCTGGAGTCCAGGGTT[C>G]CCCGCCAGGCCCGGGAGGGGGCGGCCGTACATGGCCAGCAGGCCTCCGGGGGACCTCGCC-3'
Protein context (NP_003110.1, residues 23-43): WGPGPAWSPG[Phe33Leu]PARPGRGRPY

ClinVar aggregate classification (germline): Uncertain significance. Review status: criteria provided, multiple submitters, no conflicts (2 of 4 stars). 2 submissions from 2 submitters: Uncertain significance (2). Last evaluated 2020-01-26.

Conditions:
Hereditary spastic paraplegia 7 (SPG7). Also called: SPASTIC PARAPLEGIA 7, AUTOSOMAL RECESSIVE, WITH OR WITHOUT CEREBELLAR ATAXIA; Spastic paraplegia 7; Hereditary spastic paraplegia Paraplegin type; Autosomal recessive spastic paraplegia type 7; SPG7-related neurologic disorder. Identifiers: Orphanet 99013, MedGen C1846564, MONDO:0011803, OMIM 607259.

gnomAD v4.1: 2 of 1,513,980 alleles (0.00013%); highest among the groups gnomAD compares: Non-Finnish European, 0.00018%; no homozygotes.

Submissions (2):

Labcorp Genetics (formerly Invitae), Labcorp
Classification: Uncertain significance for Hereditary spastic paraplegia 7. Last evaluated: 2020-01-26. Review status: criteria provided, single submitter. Criteria: Invitae Variant Classification Sherloc (09022015). Collection method: clinical testing. Allele origin: germline.
Comment: In summary, the available evidence is currently insufficient to determine the role of this variant in disease. Therefore, it has been classified as a Variant of Uncertain Significance. Algorithms developed to predict the effect of missense changes on protein structure and function output the following: SIFT: "Tolerated"; PolyPhen-2: "Not Available"; Align-GVGD: "Class C0". The leucine amino acid residue is found in multiple mammalian species, suggesting that this missense change does not adversely affect protein function. These predictions have not been confirmed by published functional studies and their clinical significance is uncertain. This variant has not been reported in the literature in individuals with SPG7-related conditions. The frequency data for this variant in the population databases is considered unreliable, as metrics indicate insufficient coverage at this position in the ExAC database. This sequence change replaces phenylalanine with leucine at codon 33 of the SPG7 protein (p.Phe33Leu). The phenylalanine residue is weakly conserved and there is a small physicochemical difference between phenylalanine and leucine.

Baylor Genetics
Classification: Uncertain significance for Hereditary spastic paraplegia 7. Last evaluated: 2019-02-14. Review status: criteria provided, single submitter. Criteria: ACMG Guidelines, 2015. Collection method: clinical testing. Allele origin: paternal. Affected: yes.
Comment: This variant was determined to be of uncertain significance according to ACMG Guidelines, 2015 [PMID:25741868].